The following is an entry in ClinVar:

NM_032242.4(PLXNA1):c.663G>A (p.Gln221=)

Gene: PLXNA1 (plexin A1; plus strand). Cytogenetic location: 3q21.3.
Variant type: single nucleotide variant.
Coding change: c.663G>A on transcript NM_032242.4 (MANE Select); coding-DNA position 663, G replaced by A.
Protein change: p.Gln221=; no amino-acid change (glutamine 221 retained).
Molecular consequence: synonymous variant.
Genome position (GRCh38, 1-based): chr3:126,989,256, G>A. VCF-style: chr3-126989256-G-A. GRCh37 (hg19) VCF-style: chr3-126708099-G-A.
Identifiers: ClinVar variation 5000091 (VCV005000091.1).

ClinVar aggregate classification (germline): Likely benign (1 of 4 stars; one submission).

Conditions:
PLXNA1-related disorder. Also called: PLXNA1-related condition.

Submission:

PreventionGenetics, part of Exact Sciences
Classification: Likely benign for PLXNA1-related condition. Last evaluated: 2025-07-18. Review status: criteria provided, single submitter. Criteria: ACMG Guidelines, 2015. Collection method: clinical testing. Allele origin: germline.
Comment: This variant is classified as likely benign based on ACMG/AMP sequence variant interpretation guidelines (Richards et al. 2015 PMID: 25741868, with internal and published modifications).